The following is an entry in ClinVar:

ClinVar aggregate classification (germline): Uncertain significance (1 of 4 stars; one submission).

Submission:

GeneDx
Classification: Uncertain significance. Last evaluated: 2023-09-23. Review status: criteria provided, single submitter. Criteria: GeneDx Variant Classification Process June 2021. Collection method: clinical testing. Allele origin: germline. Affected: yes.
Comment: Not observed at significant frequency in large population cohorts (gnomAD); In silico analysis supports that this missense variant does not alter protein structure/function; Has not been previously published as pathogenic or benign to our knowledge

NM_005458.8(GABBR2):c.2787T>A (p.His929Gln)

Gene: GABBR2 (gamma-aminobutyric acid type B receptor subunit 2; minus strand). Cytogenetic location: 9q22.33.
Variant type: single nucleotide variant.
Coding change: c.2787T>A on transcript NM_005458.8 (MANE Select); coding-DNA position 2787, T replaced by A.
Protein change: p.His929Gln; replaces histidine 929 with glutamine.
Molecular consequence: missense variant.
Genome position (GRCh38, 1-based): chr9:98,290,623, A>T on the plus strand (T>A on the coding strand, the complement: GABBR2 is on the minus strand). VCF-style: chr9-98290623-A-T. GRCh37 (hg19) VCF-style: chr9-101052905-A-T.
Other names: short protein forms H929Q.
Identifiers: ClinVar variation 3340864 (VCV003340864.1).